The following is an entry in ClinVar:

ClinVar aggregate classification (germline): Benign/Likely benign. Review status: criteria provided, multiple submitters, no conflicts (2 of 4 stars). 8 submissions from 8 submitters: Benign (2); Likely benign (4). 2 of the submissions do not count toward it. Last evaluated 2026-01-18.

Conditions:
Cardiovascular phenotype. Identifiers: MedGen CN230736.
Brugada syndrome. Also called: Sudden unexpected nocturnal death syndrome; Sudden Unexplained Death Syndrome; Sudden Unexplained Nocturnal Death Syndrome (SUNDS); Sudden unexplained nocturnal death syndrome. Identifiers: Orphanet 130, MedGen C1142166, MONDO:0015263.

Allele frequency attached by ClinVar (database versions not stated): 1000 Genomes Project 0.00040; 1000 Genomes Project 30x 0.00047; TOPMed 0.00157; gnomAD exomes 0.00164; ESP Exome Variant Server 0.00170; gnomAD 0.00192 and 0.00199; ExAC 0.00201.
gnomAD v4.1: 3,628 of 1,564,042 alleles (0.23%); highest among the groups gnomAD compares: Middle Eastern, 0.29%; 7 homozygotes.

Submissions (8):

Labcorp Genetics (formerly Invitae), Labcorp
Classification: Benign for Brugada syndrome. Last evaluated: 2026-01-18. Review status: criteria provided, single submitter. Criteria: Invitae Variant Classification Sherloc (09022015). Collection method: clinical testing. Allele origin: germline.

CeGaT Center for Human Genetics Tuebingen
Classification: Likely benign. Last evaluated: 2025-07-01. Review status: criteria provided, single submitter. Criteria: CeGaT Center For Human Genetics Tuebingen Variant Classification Criteria Version 2. Collection method: clinical testing. Allele origin: germline. Affected: yes. Observed: 5 variant alleles.
Comment: CACNA2D1: BP4, BP7

Blueprint Genetics
Classification: Likely benign. Last evaluated: 2024-11-22. Review status: criteria provided, single submitter. Criteria: ACMG Guidelines, 2015. Collection method: clinical testing. Allele origin: germline.

GeneDx
Classification: Likely benign. Last evaluated: 2021-04-07. Review status: criteria provided, single submitter. Criteria: GeneDx Variant Classification Process June 2021. Collection method: clinical testing. Allele origin: germline. Affected: yes.

Athena Diagnostics
Classification: Benign. Last evaluated: 2017-10-05. Review status: criteria provided, single submitter. Criteria: Athena Diagnostics Criteria. Collection method: clinical testing. Allele origin: germline.

Ambry Genetics
Classification: Likely benign for Cardiovascular phenotype. Last evaluated: 2016-02-09. Review status: criteria provided, single submitter. Criteria: Ambry Variant Classification Scheme 2023. Collection method: clinical testing. Allele origin: germline.

Clinical Genetics, Academic Medical Center
Classification: Benign. Review status: no assertion criteria provided. Collection method: clinical testing. Allele origin: germline. Affected: yes. Study: VKGL Data-share Consensus. Not counted in ClinVar's aggregate classification.

Genome Diagnostics Laboratory, University Medical Center Utrecht
Classification: Likely benign. Review status: no assertion criteria provided. Collection method: clinical testing. Allele origin: germline. Affected: yes. Study: VKGL Data-share Consensus. Not counted in ClinVar's aggregate classification.

NM_000722.4(CACNA2D1):c.1983G>A (p.Ser661=)

Gene: CACNA2D1 (calcium voltage-gated channel auxiliary subunit alpha2delta 1; minus strand). Cytogenetic location: 7q21.11.
Variant type: single nucleotide variant.
Coding change: c.1983G>A on transcript NM_000722.4 (MANE Select); coding-DNA position 1983, G replaced by A.
Protein change: p.Ser661=; no amino-acid change (serine 661 retained).
Molecular consequence: synonymous variant.
Genome position (GRCh38, 1-based): chr7:81,974,525, C>T on the plus strand (G>A on the coding strand, the complement: CACNA2D1 is on the minus strand). VCF-style: chr7-81974525-C-T. GRCh37 (hg19) VCF-style: chr7-81603841-C-T.
Other names: c.1983G>A (LRG_437t1); c.2019G>A, p.Ser673= (NM_001366867.1).
Identifiers: ClinVar variation 238180 (VCV000238180.43), dbSNP rs75158917, ClinGen allele CA4317784.